The following is an entry in ClinVar:

NM_001291867.2(NHS):c.3215C>T (p.Thr1072Ile)

Gene: NHS (NHS actin remodeling regulator; plus strand). Cytogenetic location: Xp22.13.
Variant type: single nucleotide variant.
Coding change: c.3215C>T on transcript NM_001291867.2 (MANE Select); coding-DNA position 3215, C replaced by T.
Protein change: p.Thr1072Ile; replaces threonine 1072 with isoleucine.
Molecular consequence: missense variant.
Genome position (GRCh38, 1-based): chrX:17,727,321, C>T. VCF-style: chrX-17727321-C-T. GRCh37 (hg19) VCF-style: chrX-17745441-C-T.
Other names: c.3152C>T (NM_198270.3); c.2684C>T, p.Thr895Ile (NM_001136024.4); c.2621C>T, p.Thr874Ile (NM_001291868.2); c.3152C>T, p.Thr1051Ile (NM_198270.4); short protein forms T1051I, T874I, T1072I, T895I.
Identifiers: ClinVar variation 1924941 (VCV001924941.8), dbSNP rs202170429, ClinGen allele CA10358803.
Genomic context (GRCh38, chrX:17,727,321, plus strand): 5'-GAAAACCTAAAGTCCCAGAAAGAAAATCCTCACTACAGCAACCCTCTTTAAAAGATGGAA[C>T]TATATCACTGAGTAAAGACCTTGAACTTCCAATTATACCTCCTACCCATCTTGATCTAAG-3'
Protein context (NP_001278796.1, residues 1062-1082): SLQQPSLKDG[Thr1072Ile]ISLSKDLELP

ClinVar aggregate classification (germline): Benign/Likely benign. Review status: criteria provided, multiple submitters, no conflicts (2 of 4 stars). 3 submissions from 3 submitters: Benign (1); Likely benign (1). 1 of the submissions does not count toward it. Last evaluated 2025-12-21.

Conditions:
NHS-related disorder. Also called: NHS-related condition.
Nance-Horan syndrome (NHS). Identifiers: Orphanet 627, MedGen C0796085, MONDO:0010545, OMIM 302350.

Allele frequency attached by ClinVar (database versions not stated): gnomAD 0.00019; TOPMed 0.00024; gnomAD exomes 0.00036; ExAC 0.00083; 1000 Genomes Project 30x 0.00146; 1000 Genomes Project 0.00159.

Submissions (3):

Labcorp Genetics (formerly Invitae), Labcorp
Classification: Benign for Nance-Horan syndrome. Last evaluated: 2025-12-21. Review status: criteria provided, single submitter. Criteria: Invitae Variant Classification Sherloc (09022015). Collection method: clinical testing. Allele origin: germline.

Blueprint Genetics
Classification: Likely benign. Last evaluated: 2024-10-21. Review status: criteria provided, single submitter. Criteria: ACMG Guidelines, 2015. Collection method: clinical testing. Allele origin: germline.

PreventionGenetics, part of Exact Sciences
Classification: Likely benign for NHS-related condition. Last evaluated: 2023-09-05. Review status: no assertion criteria provided. Collection method: clinical testing. Allele origin: germline. Not counted in ClinVar's aggregate classification.
Comment: This variant is classified as likely benign based on ACMG/AMP sequence variant interpretation guidelines (Richards et al. 2015 PMID: 25741868, with internal and published modifications).